The following is an entry in ClinVar:

ClinVar aggregate classification (germline): Pathogenic. Review status: criteria provided, multiple submitters, no conflicts (2 of 4 stars). 4 submissions from 4 submitters: Pathogenic (2). 2 of the submissions do not count toward it. Last evaluated 2026-10-02.

Conditions:
KMT2C-related NDD.

Submissions (4):

GeneDx
Classification: Pathogenic. Last evaluated: 2026-10-02. Review status: criteria provided, single submitter. Criteria: GeneDx Variant Classification Process June 2021. Collection method: clinical testing. Allele origin: germline.
Comment: Frameshift variant predicted to result in protein truncation or nonsense mediated decay in a gene for which loss of function is a known mechanism of disease; This variant is associated with the following publications: (PMID: 30293987, 35982160, 39013459)

Laboratory of Genetics, Children's Clinical University Hospital Latvia
Classification: Pathogenic for KMT2C-related NDD. Review status: criteria provided, single submitter. Criteria: ACMG Guidelines, 2015. Collection method: research. Allele origin: de novo. Affected: yes.

Diagnostic Laboratory, Department of Genetics, University Medical Center Groningen
Classification: Pathogenic. Review status: no assertion criteria provided. Collection method: clinical testing. Allele origin: germline. Affected: yes. Study: VKGL Data-share Consensus. Not counted in ClinVar's aggregate classification.

Joint Genome Diagnostic Labs from Nijmegen and Maastricht, Radboudumc and MUMC+
Classification: Likely pathogenic. Review status: no assertion criteria provided. Collection method: clinical testing. Allele origin: germline. Affected: yes. Study: VKGL Data-share Consensus. Not counted in ClinVar's aggregate classification.

Literature cited by the submitters: PubMed 39013459 (cited by Laboratory of Genetics, Children's Clinical University Hospital Latvia).

NM_170606.3(KMT2C):c.8390dup (p.Glu2798fs)

Gene: KMT2C (lysine methyltransferase 2C; minus strand). Cytogenetic location: 7q36.1.
Variant type: Duplication.
Coding change: c.8390dup on transcript NM_170606.3 (MANE Select); coding-DNA position 8390, one base duplicated (A; older notation c.8390dupA).
Protein change: p.Glu2798fs; shifts the reading frame from glutamic acid 2798.
Molecular consequence: frameshift variant.
Genome position (GRCh38, 1-based): chr7:152,177,063, T duplicated on the plus strand (A on the coding strand, the reverse complement: KMT2C is on the minus strand); the first of 9 consecutive T bases (chr7:152,177,063-152,177,071); duplicating any one gives the same sequence. VCF-style (leftmost placement, unchanged base first): chr7-152177062-C-CT. GRCh37 (hg19) VCF-style: chr7-151874147-C-CT.
Other names: c.8390dupA (NM_170606.2, NM_170606.3); c.8390dup (NM_170606.2); short protein forms E2798fs.
Identifiers: ClinVar variation 504224 (VCV000504224.9), dbSNP rs747256476, ClinGen allele CA4579676.